The following is an entry in ClinVar:

ClinVar aggregate classification (germline): Uncertain significance (0 of 4 stars; one submission).

Conditions:
UNC80-related disorder. Also called: UNC80-related condition.

Submission:

PreventionGenetics, part of Exact Sciences
Classification: Uncertain significance for UNC80-related condition. Last evaluated: 2024-07-01. Review status: no assertion criteria provided. Collection method: clinical testing. Allele origin: germline.
Comment: The UNC80 c.7199C>G variant is predicted to result in the amino acid substitution p.Ala2400Gly. To our knowledge, this variant has not been reported in the literature or in a large population database, indicating this variant is rare. At this time, the clinical significance of this variant is uncertain due to the absence of conclusive functional and genetic evidence.

NM_001371986.1(UNC80):c.7397C>G (p.Ala2466Gly)

Gene: UNC80 (unc-80 homolog, NALCN channel complex subunit; plus strand). Cytogenetic location: 2q34.
Variant type: single nucleotide variant.
Coding change: c.7397C>G on transcript NM_001371986.1 (MANE Select); coding-DNA position 7397, C replaced by G.
Protein change: p.Ala2466Gly; replaces alanine 2466 with glycine.
Molecular consequence: missense variant.
Genome position (GRCh38, 1-based): chr2:209,954,210, C>G. VCF-style: chr2-209954210-C-G. GRCh37 (hg19) VCF-style: chr2-210818934-C-G.
Other names: c.7199C>G, p.Ala2400Gly (NM_032504.2); c.7184C>G, p.Ala2395Gly (NM_182587.4); short protein forms A2395G, A2400G, A2466G.
Identifiers: ClinVar variation 3353654 (VCV003353654.1).